The following is an entry in ClinVar:

NM_000742.4(CHRNA2):c.1152del (p.Pro385fs)

Gene: CHRNA2 (cholinergic receptor nicotinic alpha 2 subunit; minus strand). Cytogenetic location: 8p21.2.
Variant type: Deletion.
Coding change: c.1152del on transcript NM_000742.4 (MANE Select); coding-DNA position 1152, one base deleted (A; older notation c.1152delA).
Protein change: p.Pro385fs; shifts the reading frame from proline 385.
Molecular consequence: frameshift variant.
Genome position (GRCh38, 1-based): chr8:27,463,291, T deleted on the plus strand (A on the coding strand, the reverse complement: CHRNA2 is on the minus strand). VCF-style (leftmost placement, unchanged base first): chr8-27463290-GT-G. GRCh37 (hg19) VCF-style: chr8-27320807-GT-G.
Other names: c.1107del, p.Pro370fs (NM_001282455.2); c.675del, p.Pro226fs (NM_001347705.2, NM_001347706.2); c.558del, p.Pro187fs (NM_001347707.2, NM_001347708.2); short protein forms P226fs, P187fs, P370fs, P385fs.
Identifiers: ClinVar variation 931227 (VCV000931227.8), dbSNP rs1812569409, ClinGen allele CA1139660411.

ClinVar aggregate classification (germline): Uncertain significance. Review status: criteria provided, multiple submitters, no conflicts (2 of 4 stars). 2 submissions from 2 submitters: Uncertain significance (2). Last evaluated 2020-11-04.

Conditions:
Familial sleep-related hypermotor epilepsy. Also called: Autosomal Dominant Sleep-Related Hypermotor (Hyperkinetic) Epilepsy. Identifiers: Orphanet 98784, MedGen C3696898, MONDO:0000030.
Autosomal dominant nocturnal frontal lobe epilepsy 4. Also called: EPILEPSY, FAMILIAL, WITH NOCTURNAL WANDERING AND ICTAL FEAR; CHRNA2-Related Nocturnal Frontal Lobe Epilepsy, Autosomal Dominant. Identifiers: Orphanet 98784, MedGen C1835905, MONDO:0012474, OMIM 610353.

Allele frequency attached by ClinVar (database versions not stated): gnomAD exomes below 0.00001.

Submissions (2):

Labcorp Genetics (formerly Invitae), Labcorp
Classification: Uncertain significance. Last evaluated: 2020-11-04. Review status: criteria provided, single submitter. Criteria: Invitae Variant Classification Sherloc (09022015). Collection method: clinical testing. Allele origin: germline.
Comment: In summary, the available evidence is currently insufficient to determine the role of this variant in disease. Therefore, it has been classified as a Variant of Uncertain Significance. This variant has not been reported in the literature in individuals with CHRNA2-related conditions. ClinVar contains an entry for this variant (Variation ID: 931227). This variant is not present in population databases (ExAC no frequency). This sequence change creates a premature translational stop signal (p.Pro385Hisfs*11) in the CHRNA2 gene. It is expected to result in an absent or disrupted protein product. However, the current clinical and genetic evidence is not sufficient to establish whether loss-of-function variants in CHRNA2 cause disease.

Centre for Mendelian Genomics, University Medical Centre Ljubljana
Classification: Uncertain significance for Autosomal dominant nocturnal frontal lobe epilepsy 4. Last evaluated: 2018-10-29. Review status: criteria provided, single submitter. Criteria: ACMG Guidelines, 2015. Collection method: clinical testing. Allele origin: unknown. Affected: yes.
Comment: This variant was classified as: Uncertain significance. The available evidence favors the benign nature of this variant, however the evidence is insufficent to prove its benign nature. The following ACMG criteria were applied in classifying this variant: BP1.